The following is an entry in ClinVar:

ClinVar aggregate classification (germline): Uncertain significance (1 of 4 stars; one submission).

Conditions:
Nephronophthisis 14 (NPHP14). Identifiers: Orphanet 2318, MedGen C3539071, MONDO:0013916, OMIM 614844.

Allele frequency attached by ClinVar (database versions not stated): TOPMed 0.00002.
gnomAD v4.1: 14 of 1,614,174 alleles (0.00087%); highest among the groups gnomAD compares: African/African-American, 0.0093%; no homozygotes.

Submission:

Labcorp Genetics (formerly Invitae), Labcorp
Classification: Uncertain significance for Nephronophthisis 14. Last evaluated: 2021-08-28. Review status: criteria provided, single submitter. Criteria: Invitae Variant Classification Sherloc (09022015). Collection method: clinical testing. Allele origin: germline.
Comment: This sequence change replaces alanine with threonine at codon 624 of the ZNF423 protein (p.Ala624Thr). The alanine residue is moderately conserved and there is a small physicochemical difference between alanine and threonine. This variant is not present in population databases (ExAC no frequency). This variant has not been reported in the literature in individuals affected with ZNF423-related conditions. Algorithms developed to predict the effect of missense changes on protein structure and function output the following: SIFT: "Tolerated"; PolyPhen-2: "Benign"; Align-GVGD: "Class C0". The threonine amino acid residue is found in multiple mammalian species, which suggests that this missense change does not adversely affect protein function. In summary, the available evidence is currently insufficient to determine the role of this variant in disease. Therefore, it has been classified as a Variant of Uncertain Significance.

NM_001379286.1(ZNF423):c.1894G>A (p.Ala632Thr)

Gene: ZNF423 (zinc finger protein 423; minus strand). Cytogenetic location: 16q12.1.
Variant type: single nucleotide variant.
Coding change: c.1894G>A on transcript NM_001379286.1 (MANE Select); coding-DNA position 1894, G replaced by A.
Protein change: p.Ala632Thr; replaces alanine 632 with threonine.
Molecular consequence: missense variant.
Genome position (GRCh38, 1-based): chr16:49,637,282, C>T on the plus strand (G>A on the coding strand, the complement: ZNF423 is on the minus strand). VCF-style: chr16-49637282-C-T. GRCh37 (hg19) VCF-style: chr16-49671193-C-T.
Other names: c.1690G>A, p.Ala564Thr (NM_001271620.2); c.1519G>A, p.Ala507Thr (NM_001330533.2); c.1870G>A, p.Ala624Thr (NM_015069.5); short protein forms A564T, A624T, A507T, A632T.
Identifiers: ClinVar variation 849244 (VCV000849244.7), dbSNP rs369619436, ClinGen allele CA281212268.
Genomic context (GRCh38, chr16:49,637,282, plus strand): 5'-AGTTGGAGAACTTGAGGTCGCATTGATTGCAAGGATACTCCCCATTGGAGATGGAGTTGG[C>T]GCTTGCTGAGAGCCGCTGCCGCTTCGGGGAAGACACCTCCACATCGGACGAGACTGGGCT-3'
Protein context (NP_001366215.1, residues 622-642): SPKRQRLSAS[Ala632Thr]NSISNGEYPC